The following is an entry in ClinVar:

ClinVar aggregate classification (germline): Uncertain significance (1 of 4 stars; one submission).

gnomAD v4.1: 4 of 1,613,522 alleles (0.00025%); highest among the groups gnomAD compares: Admixed American, 0.005%; no homozygotes.

Submission:

Women's Health and Genetics/Laboratory Corporation of America, LabCorp
Classification: Uncertain significance. Last evaluated: 2025-04-29. Review status: criteria provided, single submitter. Criteria: LabCorp Variant Classification Summary - May 2015. Collection method: clinical testing. Allele origin: germline.
Comment: Variant summary: TTN c.51830G>T (p.Arg17277Leu) results in a non-conservative amino acid change in the encoded protein sequence. Two of four in-silico tools predict a benign effect of the variant on protein function. The variant allele was found at a frequency of 1.2e-05 in 248278 control chromosomes. The available data on variant occurrences in the general population are insufficient to allow any conclusion about variant significance. To our knowledge, no occurrence of c.51830G>T in individuals affected with Dilated Cardiomyopathy and no experimental evidence demonstrating its impact on protein function have been reported. No submitters have cited clinical-significance assessments for this variant to ClinVar. Based on the evidence outlined above, the variant was classified as uncertain significance.

NM_001267550.2(TTN):c.59534G>T (p.Arg19845Leu)

Genes: TTN (titin; minus strand), TTN-AS1 (TTN antisense RNA 1; plus strand), LOC126806424 (CDK7 strongly-dependent group 2 enhancer GRCh37_chr2:179456337-179457536; plus strand). Cytogenetic location: 2q31.2.
Variant type: single nucleotide variant.
Coding change: c.59534G>T on transcript NM_001267550.2 (MANE Select); coding-DNA position 59534, G replaced by T.
Protein change: p.Arg19845Leu; replaces arginine 19845 with leucine.
Molecular consequence: missense variant.
Genome position (GRCh38, 1-based): chr2:178,592,471, C>A on the plus strand (G>T on the coding strand, the complement: TTN is on the minus strand). VCF-style: chr2-178592471-C-A. GRCh37 (hg19) VCF-style: chr2-179457198-C-A.
Other names: c.54611G>T, p.Arg18204Leu (NM_001256850.1); c.32339G>T, p.Arg10780Leu (NM_003319.4); c.51830G>T, p.Arg17277Leu (NM_133378.4); c.32714G>T, p.Arg10905Leu (NM_133432.3); c.32915G>T, p.Arg10972Leu (NM_133437.4); short protein forms R10780L, R10905L, R10972L, R17277L, R18204L, R19845L.
Identifiers: ClinVar variation 3896568 (VCV003896568.2).
Genomic context (GRCh38, chr2:178,592,471, plus strand): 5'-GAACCAGCTGGATTCTCCACTGTTAAAGAATAAATTCCACCATCTTCATGGGCAGCATTA[C>A]GAATTTCAAGCTTGCTACCAACTGGAGTCACATCAATTCTTGCTTTAGTTGGAGCATCTC-3'
Protein context (NP_001254479.2, residues 19835-19855): VTPVGSKLEI[Arg19845Leu]NAAHEDGGIY